The following is an entry in ClinVar:

NM_018685.5(ANLN):c.224C>T (p.Thr75Ile)

Gene: ANLN (anillin, actin binding protein; plus strand). Cytogenetic location: 7p14.2.
Variant type: single nucleotide variant.
Coding change: c.224C>T on transcript NM_018685.5 (MANE Select); coding-DNA position 224, C replaced by T.
Protein change: p.Thr75Ile; replaces threonine 75 with isoleucine.
Molecular consequence: missense variant.
Genome position (GRCh38, 1-based): chr7:36,399,130, C>T. VCF-style: chr7-36399130-C-T. GRCh37 (hg19) VCF-style: chr7-36438739-C-T.
Other names: c.224C>T, p.Thr75Ile (NM_001284301.3, NM_001284302.3); short protein forms T75I.
Identifiers: ClinVar variation 2880191 (VCV002880191.3), dbSNP rs373821252, ClinGen allele CA4219305.

ClinVar aggregate classification (germline): Uncertain significance (1 of 4 stars; one submission).

Allele frequency attached by ClinVar (database versions not stated): ExAC 0.00001; gnomAD 0.00002; TOPMed 0.00002; ESP Exome Variant Server 0.00008.
gnomAD v4.1: 6 of 1,613,982 alleles (0.00037%); highest among the groups gnomAD compares: African/African-American, 0.008%; no homozygotes.

Submission:

Labcorp Genetics (formerly Invitae), Labcorp
Classification: Uncertain significance. Last evaluated: 2022-12-20. Review status: criteria provided, single submitter. Criteria: Invitae Variant Classification Sherloc (09022015). Collection method: clinical testing. Allele origin: germline.
Comment: This variant has not been reported in the literature in individuals affected with ANLN-related conditions. In summary, the available evidence is currently insufficient to determine the role of this variant in disease. Therefore, it has been classified as a Variant of Uncertain Significance. Algorithms developed to predict the effect of missense changes on protein structure and function output the following: SIFT: "Tolerated"; PolyPhen-2: "Benign"; Align-GVGD: "Class C0". The isoleucine amino acid residue is found in multiple mammalian species, which suggests that this missense change does not adversely affect protein function. This variant is present in population databases (rs373821252, gnomAD 0.008%). This sequence change replaces threonine, which is neutral and polar, with isoleucine, which is neutral and non-polar, at codon 75 of the ANLN protein (p.Thr75Ile).